The following is an entry in ClinVar:

NM_014889.4(PITRM1):c.2239C>T (p.Arg747Trp)

Genes: PITRM1 (pitrilysin metallopeptidase 1; minus strand), PITRM1-AS1 (PITRM1 antisense RNA 1; plus strand). Cytogenetic location: 10p15.2.
Variant type: single nucleotide variant.
Coding change: c.2239C>T on transcript NM_014889.4 (MANE Select); coding-DNA position 2239, C replaced by T.
Protein change: p.Arg747Trp; replaces arginine 747 with tryptophan.
Molecular consequence: missense variant. On other transcripts: non-coding transcript variant (5).
Genome position (GRCh38, 1-based): chr10:3,147,247, G>A on the plus strand (C>T on the coding strand, the complement: PITRM1 is on the minus strand). VCF-style: chr10-3147247-G-A. GRCh37 (hg19) VCF-style: chr10-3189439-G-A.
Other names: c.2242C>T, p.Arg748Trp (NM_001242307.2); c.1945C>T, p.Arg649Trp (NM_001242309.1); c.2041C>T, p.Arg681Trp (NM_001347725.2); c.1426C>T, p.Arg476Trp (NM_001347726.2); c.1624C>T, p.Arg542Trp (NM_001347727.2); c.934C>T, p.Arg312Trp (NM_001347728.2); c.2215C>T, p.Arg739Trp (NM_001347729.1); c.2017C>T, p.Arg673Trp (NM_001347730.1); and 1 more; short protein forms R739W, R476W, R649W, R673W, R747W, R312W, R681W, R542W.
Identifiers: ClinVar variation 1371271 (VCV001371271.4), dbSNP rs745999703, ClinGen allele CA5387462.

ClinVar aggregate classification (germline): Uncertain significance. Review status: criteria provided, multiple submitters, no conflicts (2 of 4 stars). 2 submissions from 2 submitters: Uncertain significance (2). Last evaluated 2024-03-15.

Allele frequency attached by ClinVar (database versions not stated): gnomAD exomes 0.00004 and 0.00011; ExAC 0.00007; TOPMed 0.00008; gnomAD 0.00009 and 0.00010.

Submissions (2):

Ambry Genetics
Classification: Uncertain significance. Last evaluated: 2024-03-15. Review status: criteria provided, single submitter. Criteria: Ambry Variant Classification Scheme 2023. Collection method: clinical testing. Allele origin: germline.

Labcorp Genetics (formerly Invitae), Labcorp
Classification: Uncertain significance. Last evaluated: 2022-07-19. Review status: criteria provided, single submitter. Criteria: Invitae Variant Classification Sherloc (09022015). Collection method: clinical testing. Allele origin: germline.
Comment: This sequence change replaces arginine, which is basic and polar, with tryptophan, which is neutral and slightly polar, at codon 649 of the PITRM1 protein (p.Arg649Trp). This variant is present in population databases (rs745999703, gnomAD 0.06%). This variant has not been reported in the literature in individuals affected with PITRM1-related conditions. ClinVar contains an entry for this variant (Variation ID: 1371271). Algorithms developed to predict the effect of missense changes on protein structure and function are either unavailable or do not agree on the potential impact of this missense change (SIFT: "Deleterious"; PolyPhen-2: "Possibly Damaging"; Align-GVGD: "Class C0"). Algorithms developed to predict the effect of sequence changes on RNA splicing suggest that this variant may disrupt the consensus splice site. In summary, the available evidence is currently insufficient to determine the role of this variant in disease. Therefore, it has been classified as a Variant of Uncertain Significance.